The following is an entry in ClinVar:

Single allele

Genes: RHD (Rh blood group D antigen; plus strand), RSRP1 (arginine and serine rich protein 1; minus strand), LOC133206434 (downstream Rhesus box; plus strand). Cytogenetic location: 1p36.11.
Variant type: Deletion.
Identifiers: ClinVar variation 156731 (VCV000156731.2).

ClinVar aggregate classification (germline): not provided. Review status: no classification provided (0 of 4 stars). 2 submissions from 1 submitter: not provided (2).

Conditions:
Normal pregnancy. Identifiers: MedGen C0232989.
Gestational diabetes mellitus uncontrolled. Identifiers: MedGen C3532257.

Submissions (2):

Institute of Molecular and Cell Biology, University of Tartu
No classification provided. Condition: Gestational diabetes mellitus uncontrolled. Review status: no classification provided. Collection method: case-control. Allele origin: unknown. Affected: yes. Study: Kasak2014.
Comment: The study aimed to determine the contribution of copy number variants in the genetic etiology of normal and complicated pregnancies. The samples represented (i) maternal blood DNA drawn from healthy pregnant women during 1st or 2nd trimester and (ii) maternal and paternal blood DNA drawn at term pregnancy cases representing normal and complicated gestations (severe preeclampsia, PE; gestational diabetes, GD; small-for-gestational age newborn, SGA; large-for-gestational age newborn, LGA). We performed CNV calling based on genome-wide genotyping dataset (Illumina HumanOmniExpress-24-v1 BeadChip) by applying three algorithms, QuantiSNP, GADA (Genome Alteration Detection Algorithm) and CNstream in parallel. The acquired CNV calls were merged with HD-CNV (Hotspot Detector for Copy Number Variants) program and only the CNVs predicted by at least two programs, were considered in subsequent analysis.

Institute of Molecular and Cell Biology, University of Tartu
No classification provided. Condition: Normal pregnancy. Review status: no classification provided. Collection method: case-control. Allele origin: unknown. Affected: yes. Study: Kasak2014.
Comment: the same text as in the submission from Institute of Molecular and Cell Biology, University of Tartu above.

Literature cited by the submitters: PubMed 25666259.